The following is an entry in ClinVar:

ClinVar aggregate classification (germline): Likely benign. Review status: criteria provided, single submitter (1 of 4 stars). 2 submissions from 1 submitter: Likely benign (2). Last evaluated 2018-01-13.

Conditions:
Nephropathic cystinosis (CTNS). Also called: CYSTINOSIN, DEFECT OF; LYSOSOMAL CYSTINE TRANSPORT PROTEIN, DEFECT OF; Abderhalden Lignac Kaufmann disease; Abderhalden-Kaufmann-Lignac syndrome. Identifiers: Orphanet 213, Orphanet 411629, MedGen C2931187, MONDO:0100151, OMIM 219800.
Ocular cystinosis. Also called: Non-Nephropathic (Ocular) Cystinosis; Non-Nephropathic Cystinosis. Identifiers: Orphanet 213, Orphanet 411641, MedGen C2931013, MONDO:0009064, OMIM 219750.

Allele frequency attached by ClinVar (database versions not stated): 1000 Genomes Project 30x 0.00390; 1000 Genomes Project 0.00459; TOPMed 0.01063.
gnomAD v4.1: 1,957 of 204,442 alleles (0.96%); highest among the groups gnomAD compares: Non-Finnish European, 1.5%; 15 homozygotes.

Submissions (2):

Illumina Laboratory Services, Illumina
Classification: Likely benign for Ocular cystinosis. Last evaluated: 2018-01-13. Review status: criteria provided, single submitter. Criteria: ICSL Variant Classification Criteria 13 December 2019. Collection method: clinical testing. Allele origin: germline.
Comment: This variant was observed in the ICSL laboratory as part of a predisposition screen in an ostensibly healthy population. It had not been previously curated by ICSL or reported in the Human Gene Mutation Database (HGMD: prior to June 1st, 2018), and was therefore a candidate for classification through an automated scoring system. Utilizing variant allele frequency, disease prevalence and penetrance estimates, and inheritance mode, an automated score was calculated to assess if this variant is too frequent to cause the disease. Based on the score and internal cut-off values, a variant classified as likely benign is not then subjected to further curation. The score for this variant resulted in a classification of likely benign for this disease.

Illumina Laboratory Services, Illumina
Classification: Likely benign for Nephropathic cystinosis. Last evaluated: 2018-01-13. Review status: criteria provided, single submitter. Criteria: ICSL Variant Classification Criteria 13 December 2019. Collection method: clinical testing. Allele origin: germline.
Comment: the same text as in the submission from Illumina Laboratory Services, Illumina above.

NM_004937.3(CTNS):c.*847C>T

Gene: CTNS (cystinosin, lysosomal cystine transporter; plus strand). Cytogenetic location: 17p13.2.
Variant type: single nucleotide variant.
Coding change: c.*847C>T on transcript NM_004937.3 (MANE Select); 847 bases downstream of the stop codon, C replaced by T.
Molecular consequence: 3 prime UTR variant.
Genome position (GRCh38, 1-based): chr17:3,661,216, C>T. VCF-style: chr17-3661216-C-T. GRCh37 (hg19) VCF-style: chr17-3564510-C-T.
Other names: c.*482C>T (NM_001031681.3, NM_001374492.1); c.*847C>T (NM_001374493.1, NM_001374494.1, NM_001374495.1 and 1 more transcripts).
Identifiers: ClinVar variation 322866 (VCV000322866.5), dbSNP rs146131305, ClinGen allele CA10639471.